The following is an entry in ClinVar:

ClinVar aggregate classification (germline): Likely benign. Review status: criteria provided, multiple submitters, no conflicts (2 of 4 stars). 2 submissions from 2 submitters: Likely benign (2). Last evaluated 2023-12-20.

Conditions:
Inborn genetic diseases. Identifiers: MedGen C0950123, MeSH D030342.

Allele frequency attached by ClinVar (database versions not stated): gnomAD exomes 0.00001; TOPMed 0.00001; ExAC 0.00002; gnomAD 0.00002.
gnomAD v4.1: 22 of 1,612,832 alleles (0.0014%); highest among the groups gnomAD compares: African/African-American, 0.0053%; no homozygotes.

Submissions (2):

Ambry Genetics
Classification: Likely benign for Inborn genetic diseases. Last evaluated: 2023-12-20. Review status: criteria provided, single submitter. Criteria: Ambry Variant Classification Scheme 2023. Collection method: clinical testing. Allele origin: germline.

CeGaT Center for Human Genetics Tuebingen
Classification: Likely benign. Last evaluated: 2022-11-01. Review status: criteria provided, single submitter. Criteria: CeGaT Center For Human Genetics Tuebingen Variant Classification Criteria Version 2. Collection method: clinical testing. Allele origin: germline. Affected: yes. Observed: 1 variant allele.
Comment: BRSK2: BS2

NM_001256627.2(BRSK2):c.1505C>T (p.Pro502Leu)

Gene: BRSK2 (BR serine/threonine kinase 2; plus strand). Cytogenetic location: 11p15.5.
Variant type: single nucleotide variant.
Coding change: c.1505C>T on transcript NM_001256627.2 (MANE Select); coding-DNA position 1505, C replaced by T.
Protein change: p.Pro502Leu; replaces proline 502 with leucine.
Molecular consequence: missense variant. On other transcripts: non-coding transcript variant (1).
Genome position (GRCh38, 1-based): chr11:1,451,380, C>T. VCF-style: chr11-1451380-C-T. GRCh37 (hg19) VCF-style: chr11-1472610-C-T.
Other names: c.1505C>T (NM_003957.2); c.1505C>T, p.Pro502Leu (NM_001256629.2, NM_003957.4); c.1643C>T, p.Pro548Leu (NM_001256630.1); c.1325C>T, p.Pro442Leu (NM_001282218.2); short protein forms P442L, P502L, P548L.
Identifiers: ClinVar variation 2641339 (VCV002641339.25), dbSNP rs765073528, ClinGen allele CA5811097.